The following is an entry in ClinVar:

ClinVar aggregate classification (germline): Uncertain significance. Review status: criteria provided, multiple submitters, no conflicts (2 of 4 stars). 2 submissions from 2 submitters: Uncertain significance (2). Last evaluated 2024-04-25.

Conditions:
Intellectual developmental disorder, autosomal dominant 56. Also called: MENTAL RETARDATION, AUTOSOMAL DOMINANT 56; Intellectual disability, autosomal dominant 56. Identifiers: MedGen C4693389, MONDO:0030922, OMIM 617854.

Allele frequency attached by ClinVar (database versions not stated): gnomAD exomes below 0.00001 and 0.00001; ExAC 0.00001; gnomAD 0.00001; TOPMed 0.00001.
gnomAD v4.1: 6 of 1,613,902 alleles (0.00037%); highest among the groups gnomAD compares: South Asian, 0.0033%; no homozygotes.

Submissions (2):

Labcorp Genetics (formerly Invitae), Labcorp
Classification: Uncertain significance. Last evaluated: 2024-04-25. Review status: criteria provided, single submitter. Criteria: Invitae Variant Classification Sherloc (09022015). Collection method: clinical testing. Allele origin: germline.
Comment: This sequence change replaces serine, which is neutral and polar, with leucine, which is neutral and non-polar, at codon 382 of the CLTC protein (p.Ser382Leu). This variant is present in population databases (rs771278812, gnomAD 0.003%). This variant has not been reported in the literature in individuals affected with CLTC-related conditions. ClinVar contains an entry for this variant (Variation ID: 1199220). Advanced modeling of protein sequence and biophysical properties (such as structural, functional, and spatial information, amino acid conservation, physicochemical variation, residue mobility, and thermodynamic stability) performed at Invitae indicates that this missense variant is not expected to disrupt CLTC protein function with a negative predictive value of 80%. In summary, the available evidence is currently insufficient to determine the role of this variant in disease. Therefore, it has been classified as a Variant of Uncertain Significance.

Illumina Laboratory Services, Illumina
Classification: Uncertain significance for Intellectual developmental disorder, autosomal dominant 56. Last evaluated: 2021-01-05. Review status: criteria provided, single submitter. Criteria: ICSLVariantClassificationCriteria RUGD 01 April 2020. Collection method: clinical testing. Allele origin: unknown.
Comment: The CLTC c.1133C>T (p.Ser378Leu) variant is a missense variant. A literature search was performed for the gene, cDNA change, and amino acid change. No publications were found based on this search. This variant is reported at a frequency of 0.000008 in the total population in the Genome Aggregation Database, however this frequency is based on two alleles in a region of good sequence coverage, so the variant is presumed to be rare. Based the limited evidence, the p.Ser378Leu variant is classified as a variant of uncertain significance for CLTC-related neurodevelopmental disorder.

NM_004859.4(CLTC):c.1133C>T (p.Ser378Leu)

Gene: CLTC (clathrin heavy chain; plus strand). Cytogenetic location: 17q23.1.
Variant type: single nucleotide variant.
Coding change: c.1133C>T on transcript NM_004859.4 (MANE Select); coding-DNA position 1133, C replaced by T.
Protein change: p.Ser378Leu; replaces serine 378 with leucine.
Molecular consequence: missense variant.
Genome position (GRCh38, 1-based): chr17:59,660,554, C>T. VCF-style: chr17-59660554-C-T. GRCh37 (hg19) VCF-style: chr17-57737915-C-T.
Other names: c.1145C>T, p.Ser382Leu (NM_001288653.2); short protein forms S378L, S382L.
Identifiers: ClinVar variation 1199220 (VCV001199220.9), dbSNP rs771278812, ClinGen allele CA8681163.